The following is an entry in ClinVar:

NM_000321.3(RB1):c.1404A>T (p.Leu468Phe)

Gene: RB1 (RB transcriptional corepressor 1; plus strand). Cytogenetic location: 13q14.2.
Variant type: single nucleotide variant.
Coding change: c.1404A>T on transcript NM_000321.3 (MANE Select); coding-DNA position 1404, A replaced by T.
Protein change: p.Leu468Phe; replaces leucine 468 with phenylalanine.
Molecular consequence: missense variant.
Genome position (GRCh38, 1-based): chr13:48,380,067, A>T. VCF-style: chr13-48380067-A-T. GRCh37 (hg19) VCF-style: chr13-48954203-A-T.
Other names: short protein forms L468F.
Identifiers: ClinVar variation 1498563 (VCV001498563.8), dbSNP rs2138142265, ClinGen allele CA388162701.

ClinVar aggregate classification (germline): Uncertain significance. Review status: criteria provided, multiple submitters, no conflicts (2 of 4 stars). 2 submissions from 2 submitters: Uncertain significance (2). Last evaluated 2022-08-18.

Conditions:
Hereditary cancer-predisposing syndrome. Also called: Tumor predisposition; Hereditary neoplastic syndrome; Neoplastic Syndromes, Hereditary; Hereditary Cancer Syndrome. Identifiers: Orphanet 140162, MedGen C0027672, MeSH D009386, MONDO:0015356.
Retinoblastoma (RB1). Also called: RETINOBLASTOMA, SOMATIC. Identifiers: Orphanet 790, MedGen C0035335, MeSH D012175, MONDO:0008380, OMIM 180200, HP:0009919. Disease mechanism: loss of function. Inheritance: Both sporadic and heritable forms are tested..

Submissions (2):

Ambry Genetics
Classification: Uncertain significance for Hereditary cancer-predisposing syndrome. Last evaluated: 2022-08-18. Review status: criteria provided, single submitter. Criteria: Ambry Variant Classification Scheme 2023. Collection method: clinical testing. Allele origin: germline.
Comment: The p.L468F variant (also known as c.1404A>T), located in coding exon 15 of the RB1 gene, results from an A to T substitution at nucleotide position 1404. The leucine at codon 468 is replaced by phenylalanine, an amino acid with highly similar properties. This amino acid position is highly conserved in available vertebrate species. In addition, the in silico prediction for this alteration is inconclusive. Since supporting evidence is limited at this time, the clinical significance of this alteration remains unclear.

Labcorp Genetics (formerly Invitae), Labcorp
Classification: Uncertain significance for Retinoblastoma. Last evaluated: 2021-10-21. Review status: criteria provided, single submitter. Criteria: Invitae Variant Classification Sherloc (09022015). Collection method: clinical testing. Allele origin: germline.
Comment: In summary, the available evidence is currently insufficient to determine the role of this variant in disease. Therefore, it has been classified as a Variant of Uncertain Significance. Algorithms developed to predict the effect of missense changes on protein structure and function are either unavailable or do not agree on the potential impact of this missense change (SIFT: "Deleterious"; PolyPhen-2: "Probably Damaging"; Align-GVGD: "Class C15"). This variant has not been reported in the literature in individuals affected with RB1-related conditions. This sequence change replaces leucine with phenylalanine at codon 468 of the RB1 protein (p.Leu468Phe). The leucine residue is highly conserved and there is a small physicochemical difference between leucine and phenylalanine. This variant is not present in population databases (ExAC no frequency).